The following is an entry in ClinVar:

NM_004187.5(KDM5C):c.66C>G (p.Ala22=)

Genes: KDM5C (lysine demethylase 5C; minus strand), LOC130068308 (ATAC-STARR-seq lymphoblastoid active region 29656; plus strand). Cytogenetic location: Xp11.22.
Variant type: single nucleotide variant.
Coding change: c.66C>G on transcript NM_004187.5 (MANE Select); coding-DNA position 66, C replaced by G.
Protein change: p.Ala22=; no amino-acid change (alanine 22 retained).
Molecular consequence: synonymous variant. On other transcripts: non-coding transcript variant (3).
Genome position (GRCh38, 1-based): chrX:53,224,824, G>C on the plus strand (C>G on the coding strand, the complement: KDM5C is on the minus strand). VCF-style: chrX-53224824-G-C. GRCh37 (hg19) VCF-style: chrX-53254006-G-C.
Other names: c.66C>G, p.Ala22= (NM_001146702.2, NM_001282622.3, NM_001353978.3 and 4 more transcripts).
Identifiers: ClinVar variation 3771564 (VCV003771564.13).

ClinVar aggregate classification (germline): Likely benign (1 of 4 stars; one submission).

gnomAD v4.1: 3 of 1,210,828 alleles (0.00025%); highest among the groups gnomAD compares: Non-Finnish European, 0.00022%; no homozygotes.

Submission:

CeGaT Center for Human Genetics Tuebingen
Classification: Likely benign. Last evaluated: 2025-02-01. Review status: criteria provided, single submitter. Criteria: CeGaT Center For Human Genetics Tuebingen Variant Classification Criteria Version 2. Collection method: clinical testing. Allele origin: germline. Affected: yes. Observed: 1 variant allele.
Comment: KDM5C: BP4, BP7